The following is an entry in ClinVar:

ClinVar aggregate classification (germline): Uncertain significance (1 of 4 stars; one submission).

Allele frequency attached by ClinVar (database versions not stated): gnomAD exomes below 0.00001; gnomAD 0.00001.
gnomAD v4.1: 3 of 1,613,964 alleles (0.00019%); highest among the groups gnomAD compares: Admixed American, 0.005%; no homozygotes.

Submission:

Labcorp Genetics (formerly Invitae), Labcorp
Classification: Uncertain significance. Last evaluated: 2025-07-22. Review status: criteria provided, single submitter. Criteria: Invitae Variant Classification Sherloc (09022015). Collection method: clinical testing. Allele origin: germline.
Comment: This sequence change replaces phenylalanine, which is neutral and non-polar, with cysteine, which is neutral and slightly polar, at codon 520 of the ADGRE2 protein (p.Phe520Cys). This variant is present in population databases (no rsID available, gnomAD 0.009%). This variant has not been reported in the literature in individuals affected with ADGRE2-related conditions. ClinVar contains an entry for this variant (Variation ID: 2717802). An algorithm developed to predict the effect of missense changes on protein structure and function (PolyPhen-2) suggests that this variant is likely to be disruptive. In summary, the available evidence is currently insufficient to determine the role of this variant in disease. Therefore, it has been classified as a Variant of Uncertain Significance.

NM_013447.4(ADGRE2):c.1559T>G (p.Phe520Cys)

Gene: ADGRE2 (adhesion G protein-coupled receptor E2; minus strand). Cytogenetic location: 19p13.12.
Variant type: single nucleotide variant.
Coding change: c.1559T>G on transcript NM_013447.4 (MANE Select); coding-DNA position 1559, T replaced by G.
Protein change: p.Phe520Cys; replaces phenylalanine 520 with cysteine.
Molecular consequence: missense variant. On other transcripts: intron variant (1).
Genome position (GRCh38, 1-based): chr19:14,754,985, A>C on the plus strand (T>G on the coding strand, the complement: ADGRE2 is on the minus strand). VCF-style: chr19-14754985-A-C. GRCh37 (hg19) VCF-style: chr19-14865797-A-C.
Other names: c.1412T>G, p.Phe471Cys (NM_152916.2); c.1280T>G, p.Phe427Cys (NM_152917.2); c.1416+669T>G (NM_001271052.1); short protein forms F427C, F520C, F471C.
Identifiers: ClinVar variation 2717802 (VCV002717802.3), dbSNP rs1345687481, ClinGen allele CA404454093.